The following is an entry in ClinVar:

ClinVar aggregate classification (germline): Conflicting classifications of pathogenicity. Review status: criteria provided, conflicting classifications (1 of 4 stars). 2 submissions from 2 submitters: Uncertain significance (1); Likely benign (1). Last evaluated 2025-03-07.

Conditions:
COG7 congenital disorder of glycosylation (CDG2E). Also called: CDG IIe; CONGENITAL DISORDER OF GLYCOSYLATION, TYPE IIe. Identifiers: Orphanet 79333, MedGen C2931010, MONDO:0012118, OMIM 608779.
Inborn genetic diseases. Identifiers: MedGen C0950123, MeSH D030342.

Allele frequency attached by ClinVar (database versions not stated): gnomAD exomes below 0.00001; TOPMed below 0.00001.
gnomAD v4.1: 1 of 1,614,200 alleles (0.000062%); highest among the groups gnomAD compares: Non-Finnish European, 0.000085%; no homozygotes.

Submissions (2):

Ambry Genetics
Classification: Likely benign for Inborn genetic diseases. Last evaluated: 2025-03-07. Review status: criteria provided, single submitter. Criteria: Ambry Variant Classification Scheme 2023. Collection method: clinical testing. Allele origin: germline.

Labcorp Genetics (formerly Invitae), Labcorp
Classification: Uncertain significance for COG7 congenital disorder of glycosylation. Last evaluated: 2021-11-18. Review status: criteria provided, single submitter. Criteria: Invitae Variant Classification Sherloc (09022015). Collection method: clinical testing. Allele origin: germline.
Comment: In summary, the available evidence is currently insufficient to determine the role of this variant in disease. Therefore, it has been classified as a Variant of Uncertain Significance. Algorithms developed to predict the effect of missense changes on protein structure and function output the following: SIFT: "Tolerated"; PolyPhen-2: "Benign"; Align-GVGD: "Class C0". The threonine amino acid residue is found in multiple mammalian species, which suggests that this missense change does not adversely affect protein function. This variant has not been reported in the literature in individuals affected with COG7-related conditions. This variant is not present in population databases (gnomAD no frequency). This sequence change replaces alanine, which is neutral and non-polar, with threonine, which is neutral and polar, at codon 708 of the COG7 protein (p.Ala708Thr).

NM_153603.4(COG7):c.2122G>A (p.Ala708Thr)

Gene: COG7 (component of oligomeric golgi complex 7; minus strand). Cytogenetic location: 16p12.2.
Variant type: single nucleotide variant.
Coding change: c.2122G>A on transcript NM_153603.4 (MANE Select); coding-DNA position 2122, G replaced by A.
Protein change: p.Ala708Thr; replaces alanine 708 with threonine.
Molecular consequence: missense variant.
Genome position (GRCh38, 1-based): chr16:23,392,404, C>T on the plus strand (G>A on the coding strand, the complement: COG7 is on the minus strand). VCF-style: chr16-23392404-C-T. GRCh37 (hg19) VCF-style: chr16-23403725-C-T.
Other names: c.2122G>A (NM_153603.3); short protein forms A708T.
Identifiers: ClinVar variation 2110843 (VCV002110843.5), dbSNP rs1963213617, ClinGen allele CA395116111.